The following is an entry in ClinVar:

NM_001807.6(CEL):c.1788G>A (p.Thr596=)

Gene: CEL (carboxyl ester lipase; plus strand). Cytogenetic location: 9q34.13.
Variant type: single nucleotide variant.
Coding change: c.1788G>A on transcript NM_001807.6 (MANE Select); coding-DNA position 1788, G replaced by A.
Protein change: p.Thr596=; no amino-acid change (threonine 596 retained).
Molecular consequence: synonymous variant.
Genome position (GRCh38, 1-based): chr9:133,071,290, G>A. VCF-style: chr9-133071290-G-A. GRCh37 (hg19) VCF-style: chr9-135946677-G-A.
Identifiers: ClinVar variation 4873184 (VCV004873184.2).

ClinVar aggregate classification (germline): Likely benign (1 of 4 stars; one submission).

Submission:

CeGaT Center for Human Genetics Tuebingen
Classification: Likely benign. Last evaluated: 2026-05-01. Review status: criteria provided, single submitter. Criteria: CeGaT Center For Human Genetics Tuebingen Variant Classification Criteria Version 2. Collection method: clinical testing. Allele origin: germline. Affected: yes. Observed: 1 variant allele.
Comment: CEL: BP4, BP7